The following is an entry in ClinVar:

NM_152703.5(SAMD9L):c.1337T>C (p.Phe446Ser)

Gene: SAMD9L (sterile alpha motif domain containing 9 like; minus strand). Cytogenetic location: 7q21.2.
Variant type: single nucleotide variant.
Coding change: c.1337T>C on transcript NM_152703.5 (MANE Select); coding-DNA position 1337, T replaced by C.
Protein change: p.Phe446Ser; replaces phenylalanine 446 with serine.
Molecular consequence: missense variant.
Genome position (GRCh38, 1-based): chr7:93,134,635, A>G on the plus strand (T>C on the coding strand, the complement: SAMD9L is on the minus strand). VCF-style: chr7-93134635-A-G. GRCh37 (hg19) VCF-style: chr7-92763948-A-G.
Other names: c.1337T>C, p.Phe446Ser (NM_001303496.3, NM_001303497.3, NM_001303498.3 and 5 more transcripts); short protein forms F446S.
Identifiers: ClinVar variation 4159413 (VCV004159413.1).

ClinVar aggregate classification (germline): Uncertain significance (1 of 4 stars; one submission).

Conditions:
Inborn genetic diseases. Identifiers: MedGen C0950123, MeSH D030342.

gnomAD v4.1: 2 of 1,614,030 alleles (0.00012%); highest among the groups gnomAD compares: Non-Finnish European, 0.00017%; no homozygotes.

Submission:

Ambry Genetics
Classification: Uncertain significance for Inborn genetic diseases. Last evaluated: 2025-08-20. Review status: criteria provided, single submitter. Criteria: Ambry Variant Classification Scheme 2023. Collection method: clinical testing. Allele origin: germline.
Comment: The p.F446S variant (also known as c.1337T>C), located in coding exon 1 of the SAMD9L gene, results from a T to C substitution at nucleotide position 1337. The phenylalanine at codon 446 is replaced by serine, an amino acid with highly dissimilar properties. This amino acid position is conserved. In addition, the in silico prediction for this alteration is inconclusive. Based on the available evidence, the clinical significance of this variant remains unclear.